The following is an entry in ClinVar:

ClinVar aggregate classification (germline): Pathogenic. Review status: criteria provided, single submitter (1 of 4 stars). 2 submissions from 2 submitters: Pathogenic (1). 1 of the submissions does not count toward it. Last evaluated 2016-12-07.

Conditions:
LADD syndrome 1 (LADD1). Also called: Lacrimoauriculodentodigital syndrome 1. Identifiers: MedGen C5774323, MONDO:0100302, OMIM 149730.

Submissions (2):

GeneDx
Classification: Pathogenic. Last evaluated: 2016-12-07. Review status: criteria provided, single submitter. Criteria: GeneDx Variant Classification (06012015). Collection method: clinical testing. Allele origin: germline. Affected: yes.
Comment: The A628T variant in the FGFR2 gene has been reported previously as de novo in one individual with autosomal dominant Lacrimo-auriculo-dento-digital (LADD) syndrome (Rohmann et al., 2006). The A628T variant was not observed in approximately 6500 individuals of European and African American ancestry in the NHLBI Exome Sequencing Project, indicating it is not a common benign variant in these populations. The A628T variant is a non-conservative amino acid substitution, which is likely to impact secondary protein structure as these residues differ in polarity, charge, size and/or other properties. This substitution occurs within the protein kinase domain at a position that is conserved across species. In silico analysis predicts this variant is probably damaging to the protein structure/function. We interpret A628T as a pathogenic variant.

OMIM
Classification: Pathogenic for LADD SYNDROME 1. Last evaluated: 2007-12-11. Review status: no assertion criteria provided. Collection method: literature only. Allele origin: germline. Not counted in ClinVar's aggregate classification.

Literature cited by the submitters: PubMed 16501574 (cited by OMIM); PubMed 18056630 (cited by OMIM).

NM_000141.5(FGFR2):c.1882G>A (p.Ala628Thr)

Gene: FGFR2 (fibroblast growth factor receptor 2; minus strand). Cytogenetic location: 10q26.13.
Variant type: single nucleotide variant.
Coding change: c.1882G>A on transcript NM_000141.5 (MANE Select); coding-DNA position 1882, G replaced by A.
Protein change: p.Ala628Thr; replaces alanine 628 with threonine.
Molecular consequence: missense variant. On other transcripts: non-coding transcript variant (1).
Genome position (GRCh38, 1-based): chr10:121,488,095, C>T on the plus strand (G>A on the coding strand, the complement: FGFR2 is on the minus strand). VCF-style: chr10-121488095-C-T. GRCh37 (hg19) VCF-style: chr10-123247609-C-T.
Other names: c.1885G>A, p.Ala629Thr (NM_001144913.1, NM_022970.4); c.1546G>A, p.Ala516Thr (NM_001144914.1); c.1615G>A, p.Ala539Thr (NM_001144915.2, NM_023029.3); c.1537G>A, p.Ala513Thr (NM_001144916.2); c.1534G>A, p.Ala512Thr (NM_001144917.2); c.1531G>A, p.Ala511Thr (NM_001144918.2); c.1618G>A, p.Ala540Thr (NM_001144919.2); c.1198G>A, p.Ala400Thr (NM_001320654.2); and 1 more; short protein forms A628T, A629T, A400T, A511T, A516T, A540T, A513T, A512T.
Identifiers: ClinVar variation 13298 (VCV000013298.3), dbSNP rs121918509, ClinGen allele CA123000.